The following is an entry in ClinVar:

NM_152419.3(HGSNAT):c.1088A>G (p.Glu363Gly)

Gene: HGSNAT (heparan-alpha-glucosaminide N-acetyltransferase; plus strand). Cytogenetic location: 8p11.21.
Variant type: single nucleotide variant.
Coding change: c.1088A>G on transcript NM_152419.3 (MANE Select); coding-DNA position 1088, A replaced by G.
Protein change: p.Glu363Gly; replaces glutamic acid 363 with glycine.
Molecular consequence: missense variant.
Genome position (GRCh38, 1-based): chr8:43,182,220, A>G. VCF-style: chr8-43182220-A-G. GRCh37 (hg19) VCF-style: chr8-43037363-A-G.
Other names: c.1088A>G (NM_152419.2); c.1088A>G, p.Glu363Gly (NM_001363227.2); c.896A>G, p.Glu299Gly (NM_001363228.2); c.224A>G, p.Glu75Gly (NM_001363229.2); short protein forms E299G, E363G, E75G.
Identifiers: ClinVar variation 2420535 (VCV002420535.3), dbSNP rs1028992095, ClinGen allele CA176069411.

ClinVar aggregate classification (germline): Uncertain significance. Review status: criteria provided, multiple submitters, no conflicts (2 of 4 stars). 2 submissions from 2 submitters: Uncertain significance (2). Last evaluated 2025-02-13.

Conditions:
Inborn genetic diseases. Identifiers: MedGen C0950123, MeSH D030342.
Retinitis pigmentosa 73 (RP73). Identifiers: Orphanet 791, MedGen C4225287, MONDO:0014687, OMIM 616544.
Mucopolysaccharidosis, MPS-III-C (MPS3C). Also called: SANFILIPPO SYNDROME C; MPS IIIC (Sanfilippo Syndrome Type C); MPS III C; Mucopolysaccharidosis type IIIC (Sanfilippo C); MUCOPOLYSACCHARIDOSIS, TYPE IIIC; mucopolysaccharidosis type 3C. Identifiers: Orphanet 581, Orphanet 79271, MedGen C0086649, MONDO:0009657, OMIM 252930.

Allele frequency attached by ClinVar (database versions not stated): TOPMed 0.00003; gnomAD 0.00003.

Submissions (2):

Ambry Genetics
Classification: Uncertain significance for Inborn genetic diseases. Last evaluated: 2025-02-13. Review status: criteria provided, single submitter. Criteria: Ambry Variant Classification Scheme 2023. Collection method: clinical testing. Allele origin: germline.

Labcorp Genetics (formerly Invitae), Labcorp
Classification: Uncertain significance for Retinitis pigmentosa 73; Mucopolysaccharidosis, MPS-III-C. Last evaluated: 2022-05-17. Review status: criteria provided, single submitter. Criteria: Invitae Variant Classification Sherloc (09022015). Collection method: clinical testing. Allele origin: germline.
Comment: This sequence change replaces glutamic acid, which is acidic and polar, with glycine, which is neutral and non-polar, at codon 363 of the HGSNAT protein (p.Glu363Gly). This variant is present in population databases (no rsID available, gnomAD 0.008%). This variant has not been reported in the literature in individuals affected with HGSNAT-related conditions. Algorithms developed to predict the effect of missense changes on protein structure and function are either unavailable or do not agree on the potential impact of this missense change (SIFT: "Deleterious"; PolyPhen-2: "Benign"; Align-GVGD: "Class C0"). In summary, the available evidence is currently insufficient to determine the role of this variant in disease. Therefore, it has been classified as a Variant of Uncertain Significance.